The following is an entry in ClinVar:

ClinVar aggregate classification (germline): Uncertain significance (1 of 4 stars; one submission).

Submission:

GeneDx
Classification: Uncertain significance. Last evaluated: 2026-03-31. Review status: criteria provided, single submitter. Criteria: GeneDx Variant Classification Process June 2021. Collection method: clinical testing. Allele origin: germline.
Comment: Not observed at significant frequency in large population cohorts (gnomAD); Canonical splice site variant with an unclear effect on protein function; Has not been previously published as pathogenic or benign to our knowledge; This variant is associated with the following publications: (PMID: 11067845)

NM_005188.4(CBL):c.2252-1G>A

Gene: CBL (Cbl proto-oncogene; plus strand). Cytogenetic location: 11q23.3.
Variant type: single nucleotide variant.
Coding change: c.2252-1G>A on transcript NM_005188.4 (MANE Select); the canonical splice acceptor site of the intron before coding-DNA position 2252, G replaced by A.
Molecular consequence: splice acceptor variant.
Genome position (GRCh38, 1-based): chr11:119,298,357, G>A. VCF-style: chr11-119298357-G-A. GRCh37 (hg19) VCF-style: chr11-119169067-G-A.
Identifiers: ClinVar variation 5017992 (VCV005017992.1).
Genomic context (GRCh38, chr11:119,298,357, plus strand): 5'-TTGAAATGTATTAGAAGATGAAGTGCGTCAGAAGAAGATAACATCACTCATTTTTCTCCA[G>A]GTGAAGGGAATTTGGCCGCAGCCCATGCCAACACTGGTCCCGAGGAGTCAGAAAATGAGG-3'